The following is an entry in ClinVar:

ClinVar aggregate classification (germline): Pathogenic (1 of 4 stars; one submission).

Conditions:
Neurofibromatosis, type 2 (SWNV). Also called: BILATERAL ACOUSTIC NEUROFIBROMATOSIS; NF2-Related Schwannomatosis; SCHWANNOMATOSIS, VESTIBULAR. Identifiers: Orphanet 637, MedGen C0027832, MONDO:0007039, OMIM 101000. Disease mechanism: loss of function.

Submission:

Labcorp Genetics (formerly Invitae), Labcorp
Classification: Pathogenic for Neurofibromatosis, type 2. Last evaluated: 2026-01-21. Review status: criteria provided, single submitter. Criteria: Invitae Variant Classification Sherloc (09022015). Collection method: clinical testing. Allele origin: germline.
Comment: This sequence change creates a premature translational stop signal (p.Phe62Leufs*61) in the NF2 gene. It is expected to result in an absent or disrupted protein product. Loss-of-function variants in NF2 are known to be pathogenic (PMID: 9643284, 16983642). This variant is not present in population databases (gnomAD no frequency). This variant has not been reported in the literature in individuals affected with NF2-related conditions. For these reasons, this variant has been classified as Pathogenic.

Literature cited by the submitters: PubMed 9643284; PubMed 16983642.

NM_000268.4(NF2):c.183del (p.Phe62fs)

Gene: NF2 (NF2, moesin-ezrin-radixin like (MERLIN) tumor suppressor; plus strand). Cytogenetic location: 22q12.2.
Variant type: Deletion.
Coding change: c.183del on transcript NM_000268.4 (MANE Select); coding-DNA position 183, one base deleted (C; older notation c.183delC).
Protein change: p.Phe62fs; shifts the reading frame from phenylalanine 62.
Molecular consequence: frameshift variant. On other transcripts: 5 prime UTR variant (2), intron variant (6).
Genome position (GRCh38, 1-based): chr22:29,636,819, C deleted. VCF-style (leftmost placement, unchanged base first): chr22-29636818-TC-T. GRCh37 (hg19) VCF-style: chr22-30032807-TC-T.
Other names: c.69del, p.Phe24fs (NM_001407053.1, NM_001407056.1); c.183del, p.Phe62fs (NM_001407054.1, NM_001407057.1, NM_001407058.1 and 9 more transcripts); c.-458del (NM_001407065.1); c.-74del (NM_001407067.1); c.115-2271del (NM_181828.3, NM_001407055.1); c.115-5383del (NM_001407063.1, NM_181830.3, NM_001407064.1 and 1 more transcripts); short protein forms F62fs, F24fs.
Identifiers: ClinVar variation 4735885 (VCV004735885.1).